The following is an entry in ClinVar:

ClinVar aggregate classification (germline): Uncertain significance. Review status: criteria provided, multiple submitters, no conflicts (2 of 4 stars). 2 submissions from 2 submitters: Uncertain significance (2). Last evaluated 2023-06-06.

Submissions (2):

Blueprint Genetics
Classification: Uncertain significance. Last evaluated: 2023-06-06. Review status: criteria provided, single submitter. Criteria: ACMG Guidelines, 2015. Collection method: clinical testing. Allele origin: germline.

Labcorp Genetics (formerly Invitae), Labcorp
Classification: Uncertain significance. Last evaluated: 2021-10-03. Review status: criteria provided, single submitter. Criteria: Invitae Variant Classification Sherloc (09022015). Collection method: clinical testing. Allele origin: germline.
Comment: This sequence change affects the initiator methionine of the NR2E3 mRNA. The next in-frame methionine is located at codon 9. This variant is not present in population databases (ExAC no frequency). This variant has not been reported in the literature in individuals affected with NR2E3-related conditions. Experimental studies and prediction algorithms are not available or were not evaluated, and the functional significance of this variant is currently unknown. In summary, the available evidence is currently insufficient to determine the role of this variant in disease. Therefore, it has been classified as a Variant of Uncertain Significance.

NM_014249.4(NR2E3):c.2T>A (p.Met1Lys)

Gene: NR2E3 (nuclear receptor subfamily 2 group E member 3; plus strand). Cytogenetic location: 15q23.
Variant type: single nucleotide variant.
Coding change: c.2T>A on transcript NM_014249.4 (MANE Select); coding-DNA position 2, T replaced by A.
Protein change: p.Met1Lys; changes the start codon (methionine 1).
Molecular consequence: missense variant, initiator codon variant.
Genome position (GRCh38, 1-based): chr15:71,810,745, T>A. VCF-style: chr15-71810745-T-A. GRCh37 (hg19) VCF-style: chr15-72103085-T-A.
Other names: c.2T>A, p.Met1Lys (NM_016346.4); short protein forms M1K.
Identifiers: ClinVar variation 1392332 (VCV001392332.4), dbSNP rs975791531, ClinGen allele CA393031309.